The following is an entry in ClinVar:

ClinVar aggregate classification (germline): Uncertain significance (1 of 4 stars; one submission).

Submission:

Labcorp Genetics (formerly Invitae), Labcorp
Classification: Uncertain significance. Last evaluated: 2022-10-28. Review status: criteria provided, single submitter. Criteria: Invitae Variant Classification Sherloc (09022015). Collection method: clinical testing. Allele origin: germline.
Comment: This sequence change replaces leucine, which is neutral and non-polar, with isoleucine, which is neutral and non-polar, at codon 1312 of the DCHS1 protein (p.Leu1312Ile). In summary, the available evidence is currently insufficient to determine the role of this variant in disease. Therefore, it has been classified as a Variant of Uncertain Significance. Advanced modeling of protein sequence and biophysical properties (such as structural, functional, and spatial information, amino acid conservation, physicochemical variation, residue mobility, and thermodynamic stability) performed at Invitae indicates that this missense variant is not expected to disrupt DCHS1 protein function. This variant has not been reported in the literature in individuals affected with DCHS1-related conditions. This variant is not present in population databases (gnomAD no frequency).

NM_003737.4(DCHS1):c.3934C>A (p.Leu1312Ile)

Gene: DCHS1 (dachsous cadherin-related 1; minus strand). Cytogenetic location: 11p15.4.
Variant type: single nucleotide variant.
Coding change: c.3934C>A on transcript NM_003737.4 (MANE Select); coding-DNA position 3934, C replaced by A.
Protein change: p.Leu1312Ile; replaces leucine 1312 with isoleucine.
Molecular consequence: missense variant.
Genome position (GRCh38, 1-based): chr11:6,630,860, G>T on the plus strand (C>A on the coding strand, the complement: DCHS1 is on the minus strand). VCF-style: chr11-6630860-G-T. GRCh37 (hg19) VCF-style: chr11-6652091-G-T.
Other names: short protein forms L1312I.
Identifiers: ClinVar variation 1721844 (VCV001721844.6), dbSNP rs2493826087, ClinGen allele CA379407993.